The following is an entry in ClinVar:

ClinVar aggregate classification (germline): Conflicting classifications of pathogenicity. Review status: criteria provided, conflicting classifications (1 of 4 stars). 6 submissions from 6 submitters: Likely pathogenic (2); Uncertain significance (3). 1 of the submissions does not count toward it. Last evaluated 2025-09-08.

Conditions:
Dyskeratosis congenita, autosomal dominant 2. Identifiers: MedGen C3151443, MONDO:0013521, OMIM 613989.
Idiopathic Pulmonary Fibrosis. Also called: Idiopathic fibrosing alveolitis, chronic form; idiopathic fibrosing alveolitis. Identifiers: Orphanet 2032, MedGen C1800706, MeSH D054990, MONDO:0800504.
TERT-related disorder. Also called: TERT-related condition; TERT-related disorders.

Allele frequency attached by ClinVar (database versions not stated): gnomAD exomes below 0.00001.
gnomAD v4.1: 4 of 1,584,844 alleles (0.00025%); highest among the groups gnomAD compares: African/African-American, 0.0013%; no homozygotes.

Submissions (6):

Labcorp Genetics (formerly Invitae), Labcorp
Classification: Likely pathogenic for Dyskeratosis congenita, autosomal dominant 2; Idiopathic Pulmonary Fibrosis. Last evaluated: 2025-09-08. Review status: criteria provided, single submitter. Criteria: Invitae Variant Classification Sherloc (09022015). Collection method: clinical testing. Allele origin: germline.
Comment: This sequence change replaces arginine, which is basic and polar, with tryptophan, which is neutral and slightly polar, at codon 698 of the TERT protein (p.Arg698Trp). This variant is not present in population databases (gnomAD no frequency). This missense change has been observed in individuals with clinical features of dyskeratosis congenita and/or idiopathic pulmonary fibrosis (PMID: 22664374; internal data). ClinVar contains an entry for this variant (Variation ID: 2443278). Invitae Evidence Modeling of protein sequence and biophysical properties (such as structural, functional, and spatial information, amino acid conservation, physicochemical variation, residue mobility, and thermodynamic stability) indicates that this missense variant is expected to disrupt TERT protein function with a positive predictive value of 95%. This variant disrupts the p.Arg698 amino acid residue in TERT. Other variant(s) that disrupt this residue have been observed in individuals with TERT-related conditions (PMID: 22664374), which suggests that this may be a clinically significant amino acid residue. In summary, the currently available evidence indicates that the variant is pathogenic, but additional data are needed to prove that conclusively. Therefore, this variant has been classified as Likely Pathogenic.

CeGaT Center for Human Genetics Tuebingen
Classification: Uncertain significance. Last evaluated: 2024-11-01. Review status: criteria provided, single submitter. Criteria: CeGaT Center For Human Genetics Tuebingen Variant Classification Criteria Version 2. Collection method: clinical testing. Allele origin: germline. Affected: yes. Observed: 1 variant allele.
Comment: TERT: PM2, PS4:Moderate

Mayo Clinic Laboratories, Mayo Clinic
Classification: Uncertain significance. Last evaluated: 2023-07-07. Review status: criteria provided, single submitter. Criteria: ACMG Guidelines, 2015. Collection method: clinical testing. Allele origin: germline. Observed: 5 variant alleles.
Comment: PP2, PM2

GeneDx
Classification: Uncertain significance. Last evaluated: 2023-06-12. Review status: criteria provided, single submitter. Criteria: GeneDx Variant Classification Process June 2021. Collection method: clinical testing. Allele origin: germline. Affected: yes.
Comment: Not observed at significant frequency in large population cohorts (gnomAD); In silico analysis supports that this missense variant has a deleterious effect on protein structure/function; Observed in an individual with chronic hypersensitivity pneumonitis, as well as two brothers with a reported history of dyskeratosis congenita (Carrillo et al., 2012; Ley et al., 2019); This variant is associated with the following publications: (PMID: 22664374, 31268371)

Blueprint Genetics
Classification: Likely pathogenic for TERT-related disorders. Last evaluated: 2019-03-17. Review status: criteria provided, single submitter. Criteria: ACMG Guidelines, 2015. Collection method: clinical testing. Allele origin: germline. Affected: yes. Observed: 2 variant alleles.

Genetic Services Laboratory, University of Chicago
Classification: Uncertain significance. Last evaluated: 2022-12-08. Review status: no assertion criteria provided. Collection method: clinical testing. Allele origin: germline. Affected: no. Not counted in ClinVar's aggregate classification.
Comment: DNA sequence analysis of the TERT gene demonstrated a sequence change, c.2092C>T, in exon 5 that results in an amino acid change, p.Arg698Trp. This sequence change has been previously described in two siblings with dyskeratosis congenita, inherited from their reportedly asymptomatic mother (PMID: 22664374). This sequence change has not been described in population databases such as ExAC and gnomAD (dbSNP rs866282352). The p.Arg698Trp change affects a poorly conserved amino acid residue located in a domain of the TERT protein that is known to be functional. In-silico pathogenicity prediction tools (SIFT, PolyPhen2, Align GVGD, REVEL) provide contradictory results for the p.Arg698Trp substitution. A functional study shows that this variant appears to affect telomere elongation capacity (PMID: 34019641). Due to insufficient evidence the clinical significance of the p.Arg698Trp change remains unknown at this time.

Literature cited by the submitters: PubMed 22664374 (cited by Labcorp Genetics (formerly Invitae), Labcorp and Mayo Clinic Laboratories, Mayo Clinic); PubMed 31268371 (cited by Mayo Clinic Laboratories, Mayo Clinic).

NM_198253.3(TERT):c.2092C>T (p.Arg698Trp)

Gene: TERT (telomerase reverse transcriptase; minus strand). Cytogenetic location: 5p15.33.
Variant type: single nucleotide variant.
Coding change: c.2092C>T on transcript NM_198253.3 (MANE Select); coding-DNA position 2092, C replaced by T.
Protein change: p.Arg698Trp; replaces arginine 698 with tryptophan.
Molecular consequence: missense variant. On other transcripts: non-coding transcript variant (2).
Genome position (GRCh38, 1-based): chr5:1,279,329, G>A on the plus strand (C>T on the coding strand, the complement: TERT is on the minus strand). VCF-style: chr5-1279329-G-A. GRCh37 (hg19) VCF-style: chr5-1279444-G-A.
Other names: p.Arg698Trp; c.2092C>T, p.Arg698Trp (NM_001193376.3, NM_003219.1); short protein forms R698W.
Identifiers: ClinVar variation 2443278 (VCV002443278.22), dbSNP rs866282352, ClinGen allele CA112949458.